The following is an entry in ClinVar:

ClinVar aggregate classification (germline): Uncertain significance (1 of 4 stars; one submission).

Conditions:
Dyskeratosis congenita. Identifiers: Orphanet 1775, MedGen C0265965, MONDO:0015780.

Allele frequency attached by ClinVar (database versions not stated): gnomAD exomes below 0.00001; ExAC 0.00001.
gnomAD v4.1: 1 of 1,614,064 alleles (0.000062%); highest among the groups gnomAD compares: Non-Finnish European, 0.000085%; no homozygotes.

Submission:

Labcorp Genetics (formerly Invitae), Labcorp
Classification: Uncertain significance for Dyskeratosis congenita. Last evaluated: 2020-04-17. Review status: criteria provided, single submitter. Criteria: Invitae Variant Classification Sherloc (09022015). Collection method: clinical testing. Allele origin: germline.
Comment: Algorithms developed to predict the effect of missense changes on protein structure and function are either unavailable or do not agree on the potential impact of this missense change (SIFT: "Tolerated"; PolyPhen-2: "Possibly Damaging"; Align-GVGD: "Class C0"). This variant has not been reported in the literature in individuals with CTC1-related conditions. This variant is present in population databases (rs773036519, ExAC 0.002%). This sequence change replaces alanine with threonine at codon 1094 of the CTC1 protein (p.Ala1094Thr). The alanine residue is highly conserved and there is a small physicochemical difference between alanine and threonine. In summary, the available evidence is currently insufficient to determine the role of this variant in disease. Therefore, it has been classified as a Variant of Uncertain Significance.

NM_025099.6(CTC1):c.3280G>A (p.Ala1094Thr)

Gene: CTC1 (CST telomere replication complex component 1; minus strand). Cytogenetic location: 17p13.1.
Variant type: single nucleotide variant.
Coding change: c.3280G>A on transcript NM_025099.6 (MANE Select); coding-DNA position 3280, G replaced by A.
Protein change: p.Ala1094Thr; replaces alanine 1094 with threonine.
Molecular consequence: missense variant. On other transcripts: non-coding transcript variant (1).
Genome position (GRCh38, 1-based): chr17:8,228,834, C>T on the plus strand (G>A on the coding strand, the complement: CTC1 is on the minus strand). VCF-style: chr17-8228834-C-T. GRCh37 (hg19) VCF-style: chr17-8132152-C-T.
Other names: short protein forms A1094T.
Identifiers: ClinVar variation 966488 (VCV000966488.9), dbSNP rs773036519, ClinGen allele CA8371817.
Genomic context (GRCh38, chr17:8,228,834, plus strand): 5'-GCACTTGGACGAAATCTAGGAGGGAGGCCCACTCTCTAGGACACAGCCCTAGTGCTGCTG[C>T]CACATGGTGATTCCTACAGGTCACCACGGCTTCGGCAGTCCCATCCTCCACCAGGAGCCT-3'
Protein context (NP_079375.3, residues 1084-1104): AVVTCRNHHV[Ala1094Thr]AALGLCPREW